The following is an entry in ClinVar:

ClinVar aggregate classification (germline): Uncertain significance (1 of 4 stars; one submission).

gnomAD v4.1: 2 of 1,613,436 alleles (0.00012%); highest among the groups gnomAD compares: South Asian, 0.0011%; no homozygotes.

Submission:

Labcorp Genetics (formerly Invitae), Labcorp
Classification: Uncertain significance. Last evaluated: 2022-05-31. Review status: criteria provided, single submitter. Criteria: Invitae Variant Classification Sherloc (09022015). Collection method: clinical testing. Allele origin: germline.
Comment: This sequence change replaces leucine, which is neutral and non-polar, with proline, which is neutral and non-polar, at codon 368 of the IMPG2 protein (p.Leu368Pro). This variant is present in population databases (no rsID available, gnomAD 0.003%). This variant has not been reported in the literature in individuals affected with IMPG2-related conditions. Algorithms developed to predict the effect of missense changes on protein structure and function (SIFT, PolyPhen-2, Align-GVGD) all suggest that this variant is likely to be disruptive. In summary, the available evidence is currently insufficient to determine the role of this variant in disease. Therefore, it has been classified as a Variant of Uncertain Significance.

NM_016247.4(IMPG2):c.1103T>C (p.Leu368Pro)

Gene: IMPG2 (interphotoreceptor matrix proteoglycan 2; minus strand). Cytogenetic location: 3q12.3.
Variant type: single nucleotide variant.
Coding change: c.1103T>C on transcript NM_016247.4 (MANE Select); coding-DNA position 1103, T replaced by C.
Protein change: p.Leu368Pro; replaces leucine 368 with proline.
Molecular consequence: missense variant.
Genome position (GRCh38, 1-based): chr3:101,257,579, A>G on the plus strand (T>C on the coding strand, the complement: IMPG2 is on the minus strand). VCF-style: chr3-101257579-A-G. GRCh37 (hg19) VCF-style: chr3-100976423-A-G.
Other names: short protein forms L368P.
Identifiers: ClinVar variation 2001509 (VCV002001509.4), dbSNP rs1436688562, ClinGen allele CA353865396.